The following is an entry in ClinVar:

ClinVar aggregate classification (germline): Benign. Review status: criteria provided, multiple submitters, no conflicts (2 of 4 stars). 6 submissions from 6 submitters: Benign (3). 3 of the submissions do not count toward it. Last evaluated 2026-02-02.

Conditions:
ARHGEF10-related disorder. Also called: ARHGEF10-related condition.

Allele frequency attached by ClinVar (database versions not stated): gnomAD exomes 0.15706 and 0.15997; gnomAD 0.11091 and 0.11887; TOPMed 0.11452; 1000 Genomes Project 0.16753; ESP Exome Variant Server 0.09420; 1000 Genomes Project 30x 0.16084; ExAC 0.17862.
gnomAD v4.1: 237,869 of 1,551,332 alleles (15%); highest among the groups gnomAD compares: East Asian, 29%; 20,411 homozygotes.

Submissions (6):

Labcorp Genetics (formerly Invitae), Labcorp
Classification: Benign. Last evaluated: 2026-02-02. Review status: criteria provided, single submitter. Criteria: Invitae Variant Classification Sherloc (09022015). Collection method: clinical testing. Allele origin: germline.

GeneDx
Classification: Benign. Last evaluated: 2021-05-04. Review status: criteria provided, single submitter. Criteria: GeneDx Variant Classification Process June 2021. Collection method: clinical testing. Allele origin: germline. Affected: yes.

Breakthrough Genomics
Classification: Benign. Review status: criteria provided, single submitter. Criteria: ACMG Guidelines, 2015. Collection method: not provided. Allele origin: germline. Inheritance: Autosomal dominant inheritance. Affected: yes.

PreventionGenetics, part of Exact Sciences
Classification: Benign for ARHGEF10-related condition. Last evaluated: 2019-10-18. Review status: no assertion criteria provided. Collection method: clinical testing. Allele origin: germline. Not counted in ClinVar's aggregate classification.
Comment: This variant is classified as benign based on ACMG/AMP sequence variant interpretation guidelines (Richards et al. 2015 PMID: 25741868, with internal and published modifications).

Clinical Genetics, Academic Medical Center
Classification: Benign. Review status: no assertion criteria provided. Collection method: clinical testing. Allele origin: germline. Affected: yes. Study: VKGL Data-share Consensus. Not counted in ClinVar's aggregate classification.

Joint Genome Diagnostic Labs from Nijmegen and Maastricht, Radboudumc and MUMC+
Classification: Benign. Review status: no assertion criteria provided. Collection method: clinical testing. Allele origin: germline. Affected: yes. Study: VKGL Data-share Consensus. Not counted in ClinVar's aggregate classification.

NM_014629.4(ARHGEF10):c.961-7G>A

Gene: ARHGEF10 (Rho guanine nucleotide exchange factor 10; plus strand). Cytogenetic location: 8p23.3.
Variant type: single nucleotide variant.
Coding change: c.961-7G>A on transcript NM_014629.4 (MANE Select); 7 bases into the intron before coding-DNA position 961, G replaced by A.
Molecular consequence: intron variant.
Genome position (GRCh38, 1-based): chr8:1,882,628, G>A. VCF-style: chr8-1882628-G-A. GRCh37 (hg19) VCF-style: chr8-1830794-G-A.
Other names: c.847-7G>A (NM_001438092.1, NM_001308152.2, NM_001438094.1); c.964-7G>A (NM_001438091.1, NM_001308153.3); c.844-7G>A (NM_001438093.1).
Identifiers: ClinVar variation 1284701 (VCV001284701.16), dbSNP rs2280886, ClinGen allele CA4600152.